The following is an entry in ClinVar:

NM_014989.7(RIMS1):c.3293A>G (p.Asp1098Gly)

Gene: RIMS1 (regulating synaptic membrane exocytosis 1; plus strand). Cytogenetic location: 6q13.
Variant type: single nucleotide variant.
Coding change: c.3293A>G on transcript NM_014989.7 (MANE Select); coding-DNA position 3293, A replaced by G.
Protein change: p.Asp1098Gly; replaces aspartic acid 1098 with glycine.
Molecular consequence: missense variant. On other transcripts: intron variant (62).
Genome position (GRCh38, 1-based): chr6:72,265,488, A>G. VCF-style: chr6-72265488-A-G. GRCh37 (hg19) VCF-style: chr6-72975191-A-G.
Other names: c.1712A>G, p.Asp571Gly (NM_001350436.2); c.1470-472A>G (NM_001350428.2, NM_001350459.2, NM_001350424.2 and 1 more transcripts); c.1467-472A>G (NM_001350437.2, NM_001350430.2, NM_001350421.2 and 1 more transcripts); c.1616+436A>G (NM_001350458.2); c.1539-472A>G (NM_001350433.2, NM_001350446.2, NM_001350442.2 and 8 more transcripts); c.1538+4721A>G (NM_001350431.2); c.1476-472A>G (NM_001350457.2); c.1475+6377A>G (NM_001350460.2, NM_001350426.2, NM_001350429.2 and 1 more transcripts); and 14 more; short protein forms D1098G, D571G.
Identifiers: ClinVar variation 2878610 (VCV002878610.3), dbSNP rs1487875078, ClinGen allele CA364686022.

ClinVar aggregate classification (germline): Uncertain significance (1 of 4 stars; one submission).

Allele frequency attached by ClinVar (database versions not stated): gnomAD exomes 0.00001.
gnomAD v4.1: 8 of 1,562,890 alleles (0.00051%); highest among the groups gnomAD compares: Non-Finnish European, 0.0007%; no homozygotes.

Submission:

Labcorp Genetics (formerly Invitae), Labcorp
Classification: Uncertain significance. Last evaluated: 2023-12-22. Review status: criteria provided, single submitter. Criteria: Invitae Variant Classification Sherloc (09022015). Collection method: clinical testing. Allele origin: germline.
Comment: This sequence change replaces aspartic acid, which is acidic and polar, with glycine, which is neutral and non-polar, at codon 1098 of the RIMS1 protein (p.Asp1098Gly). The frequency data for this variant in the population databases is considered unreliable, as metrics indicate poor data quality at this position in the gnomAD database. This variant has not been reported in the literature in individuals affected with RIMS1-related conditions. Algorithms developed to predict the effect of missense changes on protein structure and function output the following: SIFT: "Not Available"; PolyPhen-2: "Probably Damaging"; Align-GVGD: "Not Available". The glycine amino acid residue is found in multiple mammalian species, which suggests that this missense change does not adversely affect protein function. In summary, the available evidence is currently insufficient to determine the role of this variant in disease. Therefore, it has been classified as a Variant of Uncertain Significance.